The following is an entry in ClinVar:

NM_001013631.3(HNRNPCL1):c.442C>A (p.Leu148Ile)

Gene: HNRNPCL1 (heterogeneous nuclear ribonucleoprotein C like 1; minus strand). Cytogenetic location: 1p36.21.
Variant type: single nucleotide variant.
Coding change: c.442C>A on transcript NM_001013631.3 (MANE Select); coding-DNA position 442, C replaced by A.
Protein change: p.Leu148Ile; replaces leucine 148 with isoleucine.
Molecular consequence: missense variant.
Genome position (GRCh38, 1-based): chr1:12,847,848, G>T on the plus strand (C>A on the coding strand, the complement: HNRNPCL1 is on the minus strand). VCF-style: chr1-12847848-G-T. GRCh37 (hg19) VCF-style: chr1-12907701-G-T.
Other names: short protein forms L148I.
Identifiers: ClinVar variation 2638265 (VCV002638265.24), dbSNP rs2359484, ClinGen allele CA18108522.

ClinVar aggregate classification (germline): Likely benign (1 of 4 stars; one submission).

gnomAD v4.1: 44 of 1,606,314 alleles (0.0027%); highest among the groups gnomAD compares: South Asian, 0.035%; 7 homozygotes.

Submission:

CeGaT Center for Human Genetics Tuebingen
Classification: Likely benign. Last evaluated: 2024-01-01. Review status: criteria provided, single submitter. Criteria: CeGaT Center For Human Genetics Tuebingen Variant Classification Criteria Version 2. Collection method: clinical testing. Allele origin: germline. Affected: yes. Observed: 3 variant alleles.
Comment: HNRNPCL1: BS2